The following is an entry in ClinVar:

ClinVar aggregate classification (germline): Uncertain significance (1 of 4 stars; one submission).

Conditions:
Combined immunodeficiency due to LRBA deficiency. Also called: Common variable immunodeficiency 8, with autoimmunity. Identifiers: Orphanet 445018, MedGen C3553512, MONDO:0013863, OMIM 614700.

Allele frequency attached by ClinVar (database versions not stated): gnomAD 0.00001; gnomAD exomes 0.00001 and 0.00005; TOPMed 0.00001.
gnomAD v4.1: 77 of 1,613,276 alleles (0.0048%); highest among the groups gnomAD compares: Non-Finnish European, 0.0064%; no homozygotes.

Submission:

Labcorp Genetics (formerly Invitae), Labcorp
Classification: Uncertain significance for Combined immunodeficiency due to LRBA deficiency. Last evaluated: 2024-03-18. Review status: criteria provided, single submitter. Criteria: Invitae Variant Classification Sherloc (09022015). Collection method: clinical testing. Allele origin: germline.
Comment: This sequence change replaces proline, which is neutral and non-polar, with leucine, which is neutral and non-polar, at codon 198 of the LRBA protein (p.Pro198Leu). This variant is present in population databases (rs201464189, gnomAD 0.002%). This variant has not been reported in the literature in individuals affected with LRBA-related conditions. ClinVar contains an entry for this variant (Variation ID: 1404278). Advanced modeling of protein sequence and biophysical properties (such as structural, functional, and spatial information, amino acid conservation, physicochemical variation, residue mobility, and thermodynamic stability) performed at Invitae indicates that this missense variant is not expected to disrupt LRBA protein function with a negative predictive value of 80%. In summary, the available evidence is currently insufficient to determine the role of this variant in disease. Therefore, it has been classified as a Variant of Uncertain Significance.

NM_001364905.1(LRBA):c.593C>T (p.Pro198Leu)

Gene: LRBA (LPS responsive beige-like anchor protein; minus strand). Cytogenetic location: 4q31.3.
Variant type: single nucleotide variant.
Coding change: c.593C>T on transcript NM_001364905.1 (MANE Select); coding-DNA position 593, C replaced by T.
Protein change: p.Pro198Leu; replaces proline 198 with leucine.
Molecular consequence: missense variant.
Genome position (GRCh38, 1-based): chr4:150,921,250, G>A on the plus strand (C>T on the coding strand, the complement: LRBA is on the minus strand). VCF-style: chr4-150921250-G-A. GRCh37 (hg19) VCF-style: chr4-151842402-G-A.
Other names: c.593C>T, p.Pro198Leu (NM_001199282.3, NM_001367550.1, NM_006726.5); short protein forms P198L.
Identifiers: ClinVar variation 1404278 (VCV001404278.8), dbSNP rs201464189, ClinGen allele CA107829563.